The following is an entry in ClinVar:

ClinVar aggregate classification (germline): Uncertain significance (0 of 4 stars; one submission).

Conditions:
ADCY3-related disorder. Also called: ADCY3-related condition.

gnomAD v4.1: 42 of 1,612,462 alleles (0.0026%); highest among the groups gnomAD compares: Non-Finnish European, 0.0029%; no homozygotes.

Submission:

PreventionGenetics, part of Exact Sciences
Classification: Uncertain significance for ADCY3-related condition. Last evaluated: 2024-09-03. Review status: no assertion criteria provided. Collection method: clinical testing. Allele origin: germline.
Comment: The ADCY3 c.3367C>T variant is predicted to result in the amino acid substitution p.Arg1123Trp. To our knowledge, this variant has not been reported in the literature. This variant is reported in 0.0033% of alleles in individuals of South Asian descent in gnomAD. At this time, the clinical significance of this variant is uncertain due to the absence of conclusive functional and genetic evidence.

NM_004036.5(ADCY3):c.3364C>T (p.Arg1122Trp)

Genes: ADCY3 (adenylate cyclase 3; minus strand), CENPO (centromere protein O; plus strand). Cytogenetic location: 2p23.3.
Variant type: single nucleotide variant.
Coding change: c.3364C>T on transcript NM_004036.5 (MANE Select); coding-DNA position 3364, C replaced by T.
Protein change: p.Arg1122Trp; replaces arginine 1122 with tryptophan.
Molecular consequence: missense variant. On other transcripts: 3 prime UTR variant (4), non-coding transcript variant (3).
Genome position (GRCh38, 1-based): chr2:24,820,003, G>A on the plus strand (C>T on the coding strand, the complement: ADCY3 is on the minus strand). VCF-style: chr2-24820003-G-A. GRCh37 (hg19) VCF-style: chr2-25042872-G-A.
Other names: c.3367C>T, p.Arg1123Trp (NM_001320613.2); c.3430C>T, p.Arg1144Trp (NM_001377128.1); c.3226C>T, p.Arg1076Trp (NM_001377129.1); c.*105C>T (NM_001377130.1); c.2641C>T, p.Arg881Trp (NM_001377131.1); c.3364C>T, p.Arg1122Trp (NM_001377132.1); c.*685G>A (NM_001199803.3, NM_001322101.2, NM_024322.4); short protein forms R1076W, R1122W, R1123W, R1144W, R881W.
Identifiers: ClinVar variation 3354649 (VCV003354649.1).